The following is an entry in ClinVar:

NM_014989.7(RIMS1):c.3173G>A (p.Ser1058Asn)

Gene: RIMS1 (regulating synaptic membrane exocytosis 1; plus strand). Cytogenetic location: 6q13.
Variant type: single nucleotide variant.
Coding change: c.3173G>A on transcript NM_014989.7 (MANE Select); coding-DNA position 3173, G replaced by A.
Protein change: p.Ser1058Asn; replaces serine 1058 with asparagine.
Molecular consequence: missense variant. On other transcripts: intron variant (58).
Genome position (GRCh38, 1-based): chr6:72,265,031, G>A. VCF-style: chr6-72265031-G-A. GRCh37 (hg19) VCF-style: chr6-72974734-G-A.
Other names: c.1592G>A, p.Ser531Asn (NM_001350418.2, NM_001350434.2, NM_001350436.2); c.1595G>A, p.Ser532Asn (NM_001350458.2); c.1550G>A, p.Ser517Asn (NM_001350470.2); c.1470-929G>A (NM_001350428.2, NM_001350459.2, NM_001350424.2 and 1 more transcripts); c.1467-929G>A (NM_001350437.2, NM_001350430.2, NM_001350421.2 and 1 more transcripts); c.1539-929G>A (NM_001350433.2, NM_001350446.2, NM_001350442.2 and 8 more transcripts); c.1538+4264G>A (NM_001350431.2); c.1476-929G>A (NM_001350457.2); and 13 more; short protein forms S1058N, S517N, S531N, S532N.
Identifiers: ClinVar variation 1512100 (VCV001512100.6), dbSNP rs2079811827, ClinGen allele CA364685382.

ClinVar aggregate classification (germline): Uncertain significance (1 of 4 stars; one submission).

Submission:

Labcorp Genetics (formerly Invitae), Labcorp
Classification: Uncertain significance. Last evaluated: 2025-03-31. Review status: criteria provided, single submitter. Criteria: Invitae Variant Classification Sherloc (09022015). Collection method: clinical testing. Allele origin: germline.
Comment: This sequence change replaces serine, which is neutral and polar, with asparagine, which is neutral and polar, at codon 1058 of the RIMS1 protein (p.Ser1058Asn). This variant is not present in population databases (gnomAD no frequency). This missense change has been observed in individual(s) with leber congenital amaurosis (internal data). ClinVar contains an entry for this variant (Variation ID: 1512100). An algorithm developed to predict the effect of missense changes on protein structure and function outputs the following: PolyPhen-2: "Benign". The asparagine amino acid residue is found in multiple mammalian species, which suggests that this missense change does not adversely affect protein function. In summary, the available evidence is currently insufficient to determine the role of this variant in disease. Therefore, it has been classified as a Variant of Uncertain Significance.